The following is an entry in ClinVar:

ClinVar aggregate classification (germline): Uncertain significance (1 of 4 stars; one submission).

gnomAD v4.1: 19 of 1,613,474 alleles (0.0012%); highest among the groups gnomAD compares: Non-Finnish European, 0.0016%; no homozygotes.

Submission:

Labcorp Genetics (formerly Invitae), Labcorp
Classification: Uncertain significance. Last evaluated: 2024-09-19. Review status: criteria provided, single submitter. Criteria: Invitae Variant Classification Sherloc (09022015). Collection method: clinical testing. Allele origin: germline.
Comment: This sequence change replaces valine, which is neutral and non-polar, with alanine, which is neutral and non-polar, at codon 900 of the DNA2 protein (p.Val900Ala). This variant is not present in population databases (gnomAD no frequency). This variant has not been reported in the literature in individuals affected with DNA2-related conditions. Experimental studies and prediction algorithms are not available or were not evaluated, and the functional significance of this variant is currently unknown. Algorithms developed to predict the effect of sequence changes on RNA splicing suggest that this variant may disrupt the consensus splice site. In summary, the available evidence is currently insufficient to determine the role of this variant in disease. Therefore, it has been classified as a Variant of Uncertain Significance.

NM_001080449.3(DNA2):c.2699T>C (p.Val900Ala)

Gene: DNA2 (DNA replication helicase/nuclease 2; minus strand). Cytogenetic location: 10q21.3.
Variant type: single nucleotide variant.
Coding change: c.2699T>C on transcript NM_001080449.3 (MANE Select); coding-DNA position 2699, T replaced by C.
Protein change: p.Val900Ala; replaces valine 900 with alanine.
Molecular consequence: missense variant. On other transcripts: non-coding transcript variant (1).
Genome position (GRCh38, 1-based): chr10:68,419,891, A>G on the plus strand (T>C on the coding strand, the complement: DNA2 is on the minus strand). VCF-style: chr10-68419891-A-G. GRCh37 (hg19) VCF-style: chr10-70179648-A-G.
Other names: short protein forms V900A.
Identifiers: ClinVar variation 3699148 (VCV003699148.2).
Genomic context (GRCh38, chr10:68,419,891, plus strand): 5'-ATGAGTTTGGCTTCTGTTACATTGCTCACACCACCTTTTTCAACTTGTTCTGGCGCTGGA[A>G]CCTAAGTGGAAAAATATACAGCCTGCTGATAATACAATCTCTAAAGAGTACTATAAGTAC-3'
Protein context (NP_001073918.2, residues 890-910): NPVCFLNTDK[Val900Ala]PAPEQVEKGG